The following is an entry in ClinVar:

NM_181303.2(NLGN3):c.2161C>T (p.Leu721Phe)

Gene: NLGN3 (neuroligin 3; plus strand). Cytogenetic location: Xq13.1.
Variant type: single nucleotide variant.
Coding change: c.2161C>T on transcript NM_181303.2 (MANE Select); coding-DNA position 2161, C replaced by T.
Protein change: p.Leu721Phe; replaces leucine 721 with phenylalanine.
Molecular consequence: missense variant.
Genome position (GRCh38, 1-based): chrX:71,169,711, C>T. VCF-style: chrX-71169711-C-T. GRCh37 (hg19) VCF-style: chrX-70389561-C-T.
Other names: c.2041C>T, p.Leu681Phe (NM_001166660.2); c.1750C>T, p.Leu584Phe (NM_001321276.2); c.2101C>T, p.Leu701Phe (NM_018977.4); c.2101C>T (NM_018977.2); short protein forms L584F, L681F, L701F, L721F.
Identifiers: ClinVar variation 989384 (VCV000989384.7), dbSNP rs2092463681, ClinGen allele CA413566530.

ClinVar aggregate classification (germline): Uncertain significance. Review status: criteria provided, multiple submitters, no conflicts (2 of 4 stars). 2 submissions from 2 submitters: Uncertain significance (2). Last evaluated 2026-03-05.

Conditions:
X-linked complex neurodevelopmental disorder. Identifiers: MedGen CN294807, MONDO:0100148.

Submissions (2):

GeneDx
Classification: Uncertain significance. Last evaluated: 2026-03-05. Review status: criteria provided, single submitter. Criteria: GeneDx Variant Classification Process June 2021. Collection method: clinical testing. Allele origin: germline.
Comment: Not observed at significant frequency in large population cohorts (gnomAD); In silico analysis supports that this missense variant has a deleterious effect on protein structure/function; Has not been previously published as pathogenic or benign to our knowledge

Illumina Laboratory Services, Illumina
Classification: Uncertain significance for X-linked complex neurodevelopmental disorder. Last evaluated: 2024-04-16. Review status: criteria provided, single submitter. Criteria: ISL SNV Classification Criteria 03 February 2026. Collection method: clinical testing. Allele origin: unknown.
Comment: The NLGN3 c.2161C>T (p.Leu721Phe) missense variant has not, to our knowledge, been reported in the peer-reviewed literature. This variant is not observed in version 2.1.1 or version 4.0.0 of the Genome Aggregation Database. Based on the available evidence, the c.2161C>T p.(Leu721Phe) is classified as a variant of uncertain significance for NLGN3-related intellectual disability.